The following is an entry in ClinVar:

NM_182914.3(SYNE2):c.18038+5G>A

Gene: SYNE2 (spectrin repeat containing nuclear envelope protein 2; plus strand). Cytogenetic location: 14q23.2.
Variant type: single nucleotide variant.
Coding change: c.18038+5G>A on transcript NM_182914.3 (MANE Select); 5 bases into the intron after coding-DNA position 18038, G replaced by A.
Molecular consequence: intron variant.
Genome position (GRCh38, 1-based): chr14:64,190,242, G>A. VCF-style: chr14-64190242-G-A. GRCh37 (hg19) VCF-style: chr14-64656960-G-A.
Other names: c.18038+5G>A (NM_015180.6).
Identifiers: ClinVar variation 538318 (VCV000538318.6), dbSNP rs1328692834, ClinGen allele CA614414031.
Genomic context (GRCh38, chr14:64,190,242, plus strand): 5'-AAGCTCAACAAAATTAACGATCGTTGGCAACATCTTTTTGATGTCATCGGATCAAGGTAA[G>A]AAATGGGCTAAAAATGATTACTCTCCAGGAACAGTAATTACTTTACAGATCTAGTAAACT-3'

ClinVar aggregate classification (germline): Uncertain significance (1 of 4 stars; one submission).

Conditions:
Emery-Dreifuss muscular dystrophy 5, autosomal dominant (EDMD5). Also called: EMERY-DREIFUSS MUSCULAR DYSTROPHY 5. Identifiers: Orphanet 261, MedGen C2751805, MONDO:0013072, OMIM 612999.

Allele frequency attached by ClinVar (database versions not stated): gnomAD 0.00001; TOPMed 0.00001.
gnomAD v4.1: 2 of 1,613,880 alleles (0.00012%); highest among the groups gnomAD compares: Non-Finnish European, 0.00017%; no homozygotes.

Submission:

Labcorp Genetics (formerly Invitae), Labcorp
Classification: Uncertain significance for Emery-Dreifuss muscular dystrophy 5, autosomal dominant. Last evaluated: 2021-04-09. Review status: criteria provided, single submitter. Criteria: Invitae Variant Classification Sherloc (09022015). Collection method: clinical testing. Allele origin: germline.
Comment: In summary, the available evidence is currently insufficient to determine the role of this variant in disease. Therefore, it has been classified as a Variant of Uncertain Significance. Nucleotide substitutions within the consensus splice site are a relatively common cause of aberrant splicing (PMID: 17576681, 9536098). Algorithms developed to predict the effect of sequence changes on RNA splicing suggest that this variant may disrupt the consensus splice site, but this prediction has not been confirmed by published transcriptional studies. This variant has not been reported in the literature in individuals with SYNE2-related disease. This variant is not present in population databases (ExAC no frequency). This sequence change falls in intron 99 of the SYNE2 gene. It does not directly change the encoded amino acid sequence of the SYNE2 protein, but it affects a nucleotide within the consensus splice site of the intron.

Literature cited by the submitters: PubMed 17576681; PubMed 9536098.